The following is an entry in ClinVar:

NM_001261826.3(AP3D1):c.3422T>A (p.Met1141Lys)

Gene: AP3D1 (adaptor related protein complex 3 subunit delta 1; minus strand). Cytogenetic location: 19p13.3.
Variant type: single nucleotide variant.
Coding change: c.3422T>A on transcript NM_001261826.3 (MANE Select); coding-DNA position 3422, T replaced by A.
Protein change: p.Met1141Lys; replaces methionine 1141 with lysine.
Molecular consequence: missense variant.
Genome position (GRCh38, 1-based): chr19:2,109,136, A>T on the plus strand (T>A on the coding strand, the complement: AP3D1 is on the minus strand). VCF-style: chr19-2109136-A-T. GRCh37 (hg19) VCF-style: chr19-2109135-A-T.
Other names: c.3386T>A, p.Met1129Lys (NM_001374799.1); c.3236T>A, p.Met1079Lys (NM_003938.8); short protein forms M1129K, M1141K, M1079K.
Identifiers: ClinVar variation 4700134 (VCV004700134.1).

ClinVar aggregate classification (germline): Uncertain significance (1 of 4 stars; one submission).

Submission:

Labcorp Genetics (formerly Invitae), Labcorp
Classification: Uncertain significance. Last evaluated: 2025-09-24. Review status: criteria provided, single submitter. Criteria: Invitae Variant Classification Sherloc (09022015). Collection method: clinical testing. Allele origin: germline.
Comment: This sequence change replaces methionine, which is neutral and non-polar, with lysine, which is basic and polar, at codon 1141 of the AP3D1 protein (p.Met1141Lys). This variant is not present in population databases (gnomAD no frequency). This variant has not been reported in the literature in individuals affected with AP3D1-related conditions. An algorithm developed to predict the effect of missense changes on protein structure and function (PolyPhen-2) suggests that this variant is likely to be tolerated. In summary, the available evidence is currently insufficient to determine the role of this variant in disease. Therefore, it has been classified as a Variant of Uncertain Significance.